The following is an entry in ClinVar:

NM_004168.4(SDHA):c.428C>A (p.Thr143Lys)

Gene: SDHA (succinate dehydrogenase complex flavoprotein subunit A; plus strand). Cytogenetic location: 5p15.33.
Variant type: single nucleotide variant.
Coding change: c.428C>A on transcript NM_004168.4 (MANE Select); coding-DNA position 428, C replaced by A.
Protein change: p.Thr143Lys; replaces threonine 143 with lysine.
Molecular consequence: missense variant. On other transcripts: intron variant (1).
Genome position (GRCh38, 1-based): chr5:225,534, C>A. VCF-style: chr5-225534-C-A. GRCh37 (hg19) VCF-style: chr5-225649-C-A.
Other names: c.428C>A, p.Thr143Lys (NM_001330758.2); c.313-349C>A (NM_001294332.2); short protein forms T143K.
Identifiers: ClinVar variation 4546805 (VCV004546805.2).

ClinVar aggregate classification (germline): Uncertain significance (1 of 4 stars; one submission).

Conditions:
Hereditary cancer-predisposing syndrome. Also called: Neoplastic Syndromes, Hereditary; Tumor predisposition; Hereditary Cancer Syndrome; Hereditary neoplastic syndrome. Identifiers: Orphanet 140162, MedGen C0027672, MeSH D009386, MONDO:0015356.

Submission:

Ambry Genetics
Classification: Uncertain significance for Hereditary cancer-predisposing syndrome. Last evaluated: 2026-06-02. Review status: criteria provided, single submitter. Criteria: Ambry Variant Classification Scheme 2023. Collection method: clinical testing. Allele origin: germline.
Comment: The p.T143K variant (also known as c.428C>A), located in coding exon 4 of the SDHA gene, results from a C to A substitution at nucleotide position 428. The threonine at codon 143 is replaced by lysine, an amino acid with similar properties. This amino acid position is highly conserved in available vertebrate species. In addition, this alteration is predicted to be deleterious by in silico analysis. Based on the available evidence, the clinical significance of this variant remains unclear.